The following is an entry in ClinVar:

ClinVar aggregate classification (germline): Uncertain significance (1 of 4 stars; one submission).

Conditions:
CHARGE syndrome (CHARGE). Also called: Hittner Hirsch Kreh syndrome; CHARGE ASSOCIATION--COLOBOMA, HEART ANOMALY, CHOANAL ATRESIA, RETARDATION, GENITAL AND EAR ANOMALIES; Coloboma, heart anomaly, choanal atresia, retardation, genital and ear anomalies; CHARGE association; Hall-Hittner syndrome. Identifiers: Orphanet 138, MedGen C0265354, MONDO:0008965.

gnomAD v4.1: 1 of 1,613,930 alleles (0.000062%); highest among the groups gnomAD compares: Middle Eastern, 0.016%; no homozygotes.

Submission:

Labcorp Genetics (formerly Invitae), Labcorp
Classification: Uncertain significance for CHARGE syndrome. Last evaluated: 2022-08-23. Review status: criteria provided, single submitter. Criteria: Invitae Variant Classification Sherloc (09022015). Collection method: clinical testing. Allele origin: germline.
Comment: In summary, the available evidence is currently insufficient to determine the role of this variant in disease. Therefore, it has been classified as a Variant of Uncertain Significance. Advanced modeling of protein sequence and biophysical properties (such as structural, functional, and spatial information, amino acid conservation, physicochemical variation, residue mobility, and thermodynamic stability) performed at Invitae indicates that this missense variant is not expected to disrupt CHD7 protein function. This variant has not been reported in the literature in individuals affected with CHD7-related conditions. This variant is not present in population databases (gnomAD no frequency). This sequence change replaces valine, which is neutral and non-polar, with phenylalanine, which is neutral and non-polar, at codon 299 of the CHD7 protein (p.Val299Phe).

NM_017780.4(CHD7):c.895G>T (p.Val299Phe)

Gene: CHD7 (chromodomain helicase DNA binding protein 7; plus strand). Cytogenetic location: 8q12.2.
Variant type: single nucleotide variant.
Coding change: c.895G>T on transcript NM_017780.4 (MANE Select); coding-DNA position 895, G replaced by T.
Protein change: p.Val299Phe; replaces valine 299 with phenylalanine.
Molecular consequence: missense variant.
Genome position (GRCh38, 1-based): chr8:60,742,327, G>T. VCF-style: chr8-60742327-G-T. GRCh37 (hg19) VCF-style: chr8-61654886-G-T.
Other names: c.895G>T, p.Val299Phe (NM_001316690.1); short protein forms V299F.
Identifiers: ClinVar variation 1925291 (VCV001925291.5), dbSNP rs2487272528, ClinGen allele CA371299955.